The following is an entry in ClinVar:

ClinVar aggregate classification (germline): Uncertain significance (1 of 4 stars; one submission).

Submission:

Greenwood Genetic Center Diagnostic Laboratories, Greenwood Genetic Center
Classification: Uncertain significance. Last evaluated: 2024-08-07. Review status: criteria provided, single submitter. Criteria: ACMG Guidelines, 2015. Collection method: clinical testing. Allele origin: germline. Affected: yes.
Comment: Gene of Uncertain Significance

NM_002177.3(IFNW1):c.32T>A (p.Leu11Gln)

Genes: IFNW1 (interferon omega 1; minus strand), LOC130001588 (ATAC-STARR-seq lymphoblastoid active region 28233; plus strand). Cytogenetic location: 9p21.3.
Variant type: single nucleotide variant.
Coding change: c.32T>A on transcript NM_002177.3 (MANE Select); coding-DNA position 32, T replaced by A.
Protein change: p.Leu11Gln; replaces leucine 11 with glutamine.
Molecular consequence: missense variant.
Genome position (GRCh38, 1-based): chr9:21,141,539, A>T on the plus strand (T>A on the coding strand, the complement: IFNW1 is on the minus strand). VCF-style: chr9-21141539-A-T. GRCh37 (hg19) VCF-style: chr9-21141538-A-T.
Other names: short protein forms L11Q.
Identifiers: ClinVar variation 3765569 (VCV003765569.1).
Genomic context (GRCh38, chr9:21,141,539, plus strand): 5'-CCATGGTTCTGAGGCAGATCACAGCCCAGAGATCCAACAGGGCTATAGCTGGTCATCACT[A>T]GGGCTGCCAGTAGAGGGAACAGGAGGGCCATTGGGAAATGAGGATGCTCCTGGCTTTACT-3'
Protein context (NP_002168.1, residues 1-21): MALLFPLLAA[Leu11Gln]VMTSYSPVGS